The following is an entry in ClinVar:

NM_144992.5(VWA3B):c.541C>T (p.Arg181Trp)

Gene: VWA3B (von Willebrand factor A domain containing 3B; plus strand). Cytogenetic location: 2q11.2.
Variant type: single nucleotide variant.
Coding change: c.541C>T on transcript NM_144992.5 (MANE Select); coding-DNA position 541, C replaced by T.
Protein change: p.Arg181Trp; replaces arginine 181 with tryptophan.
Molecular consequence: missense variant. On other transcripts: non-coding transcript variant (3).
Genome position (GRCh38, 1-based): chr2:98,119,762, C>T. VCF-style: chr2-98119762-C-T. GRCh37 (hg19) VCF-style: chr2-98736225-C-T.
Other names: short protein forms R181W.
Identifiers: ClinVar variation 3059897 (VCV003059897.2), dbSNP rs2305355, ClinGen allele CA1792219.
Genomic context (GRCh38, chr2:98,119,762, plus strand): 5'-GAGGCTCTAACAATGGTTCTCCAGGAGCAGGTGGCTCACATAACCGAGTTCAATATCATA[C>T]GGTGAGTTCCCATAGGAAGGGAGTATTTTAGTGAAAGTTCATAGTAATTTGTACATATTT-3'
Protein context (NP_659429.4, residues 171-191): VAHITEFNII[Arg181Trp]VSQEPVKWQE

ClinVar aggregate classification (germline): Benign (0 of 4 stars; one submission).

Conditions:
VWA3B-related disorder. Also called: VWA3B-related condition.

Allele frequency attached by ClinVar (database versions not stated): gnomAD exomes 0.07429; ExAC 0.08366; gnomAD 0.11041; ESP Exome Variant Server 0.11137; TOPMed 0.11621; 1000 Genomes Project 0.12879; 1000 Genomes Project 30x 0.13445.
gnomAD v4.1: 125,952 of 1,612,976 alleles (7.8%); highest among the groups gnomAD compares: African/African-American, 21%; 6,040 homozygotes.

Submission:

PreventionGenetics, part of Exact Sciences
Classification: Benign for VWA3B-related condition. Last evaluated: 2019-09-10. Review status: no assertion criteria provided. Collection method: clinical testing. Allele origin: germline.
Comment: This variant is classified as benign based on ACMG/AMP sequence variant interpretation guidelines (Richards et al. 2015 PMID: 25741868, with internal and published modifications).